The following is an entry in ClinVar:

NM_002691.4(POLD1):c.1695C>G (p.His565Gln)

Gene: POLD1 (DNA polymerase delta 1, catalytic subunit; plus strand). Cytogenetic location: 19q13.33.
Variant type: single nucleotide variant.
Coding change: c.1695C>G on transcript NM_002691.4 (MANE Select); coding-DNA position 1695, C replaced by G.
Protein change: p.His565Gln; replaces histidine 565 with glutamine.
Molecular consequence: missense variant. On other transcripts: non-coding transcript variant (1).
Genome position (GRCh38, 1-based): chr19:50,407,335, C>G. VCF-style: chr19-50407335-C-G. GRCh37 (hg19) VCF-style: chr19-50910592-C-G.
Other names: c.1695C>G, p.His565Gln (NM_001256849.1, NM_001308632.1); short protein forms H565Q.
Identifiers: ClinVar variation 1399843 (VCV001399843.6), dbSNP rs763347860, ClinGen allele CA406981185.

ClinVar aggregate classification (germline): Uncertain significance (1 of 4 stars; one submission).

Conditions:
POLD1-related polyposis and colorectal cancer syndrome (CRCS10). Also called: Colorectal cancer, susceptibility to, 10; Colorectal cancer 10; COLORECTAL CANCER, SUSCEPTIBILITY TO, ON CHROMOSOME 19q. Identifiers: Orphanet 220460, MedGen C2675481, MONDO:0012953, OMIM 612591.

Submission:

Labcorp Genetics (formerly Invitae), Labcorp
Classification: Uncertain significance for POLD1-related polyposis and colorectal cancer syndrome. Last evaluated: 2024-05-22. Review status: criteria provided, single submitter. Criteria: Invitae Variant Classification Sherloc (09022015). Collection method: clinical testing. Allele origin: germline.
Comment: This sequence change replaces histidine, which is basic and polar, with glutamine, which is neutral and polar, at codon 565 of the POLD1 protein (p.His565Gln). This variant is not present in population databases (gnomAD no frequency). This variant has not been reported in the literature in individuals affected with POLD1-related conditions. ClinVar contains an entry for this variant (Variation ID: 1399843). Advanced modeling of protein sequence and biophysical properties (such as structural, functional, and spatial information, amino acid conservation, physicochemical variation, residue mobility, and thermodynamic stability) performed at Invitae indicates that this missense variant is not expected to disrupt POLD1 protein function with a negative predictive value of 80%. In summary, the available evidence is currently insufficient to determine the role of this variant in disease. Therefore, it has been classified as a Variant of Uncertain Significance.